The following is an entry in ClinVar:

ClinVar aggregate classification (germline): Benign (1 of 4 stars; one submission).

Allele frequency attached by ClinVar (database versions not stated): 1000 Genomes Project 0.74940; 1000 Genomes Project 30x 0.75890.

Submission:

GeneDx
Classification: Benign. Last evaluated: 2018-06-19. Review status: criteria provided, single submitter. Criteria: GeneDx Variant Classification (06012015). Collection method: clinical testing. Allele origin: germline. Affected: yes.
Comment: This variant is considered likely benign or benign based on one or more of the following criteria: it is a conservative change, it occurs at a poorly conserved position in the protein, it is predicted to be benign by multiple in silico algorithms, and/or has population frequency not consistent with disease.

NM_022455.5(NSD1):c.6010-241C>G

Gene: NSD1 (nuclear receptor binding SET domain protein 1; plus strand). Cytogenetic location: 5q35.3.
Variant type: single nucleotide variant.
Coding change: c.6010-241C>G on transcript NM_022455.5 (MANE Select); 241 bases into the intron before coding-DNA position 6010, C replaced by G.
Molecular consequence: intron variant.
Genome position (GRCh38, 1-based): chr5:177,283,546, C>G. VCF-style: chr5-177283546-C-G. GRCh37 (hg19) VCF-style: chr5-176710547-C-G.
Other names: c.5590-241C>G (NM_001409304.1); c.5257-241C>G (NM_001409305.1); c.5248-241C>G (NM_001409306.1, NM_001409307.1); c.5137-241C>G (NM_001409308.1, NM_172349.5, NM_001365684.2); c.6010-241C>G (NM_001409302.1, NM_001409303.1, NM_001409301.1); c.5136+965C>G (NM_001409309.1).
Identifiers: ClinVar variation 667732 (VCV000667732.1), dbSNP rs28395268, ClinGen allele CA11955039.
Genomic context (GRCh38, chr5:177,283,546, plus strand): 5'-TCAATGTAGTCAGAAACCCCTGGCAGCCTTGTTATATATAACGCAGAATGCTGCACCCCA[C>G]AGTCTCTGCTTTAGTGTATTTGAAGCACAACCCAGGAATTTGCATGTCTAACAAATTGCC-3'